The following is an entry in ClinVar:

NM_000488.4(SERPINC1):c.946A>T (p.Ile316Phe)

Gene: SERPINC1 (serpin family C member 1; minus strand). Cytogenetic location: 1q25.1.
Variant type: single nucleotide variant.
Coding change: c.946A>T on transcript NM_000488.4 (MANE Select); coding-DNA position 946, A replaced by T.
Protein change: p.Ile316Phe; replaces isoleucine 316 with phenylalanine.
Molecular consequence: missense variant.
Genome position (GRCh38, 1-based): chr1:173,909,759, T>A on the plus strand (A>T on the coding strand, the complement: SERPINC1 is on the minus strand). VCF-style: chr1-173909759-T-A. GRCh37 (hg19) VCF-style: chr1-173878897-T-A.
Other names: c.802A>T, p.Ile268Phe (NM_001365052.2); c.1069A>T, p.Ile357Phe (NM_001386302.1); c.1027A>T, p.Ile343Phe (NM_001386303.1); c.925A>T, p.Ile309Phe (NM_001386304.1); c.889A>T, p.Ile297Phe (NM_001386305.1); c.730A>T, p.Ile244Phe (NM_001386306.1); short protein forms I316F, I268F, I244F, I297F, I309F, I343F, I357F.
Identifiers: ClinVar variation 840053 (VCV000840053.7), dbSNP rs1657686098, ClinGen allele CA343774146.

ClinVar aggregate classification (germline): Uncertain significance. Review status: criteria provided, multiple submitters, no conflicts (2 of 4 stars). 2 submissions from 2 submitters: Uncertain significance (2). Last evaluated 2024-12-04.

Conditions:
Inborn genetic diseases. Identifiers: MedGen C0950123, MeSH D030342.
Hereditary antithrombin deficiency (AT3D). Also called: Antithrombin III deficiency; Thrombophilia due to antithrombin III deficiency; Antithrombin deficiency; Reduced antithrombin III activity. Identifiers: Orphanet 82, MedGen C0272375, MONDO:0013144, OMIM 613118, HP:0001976.

Allele frequency attached by ClinVar (database versions not stated): gnomAD exomes below 0.00001; TOPMed below 0.00001; gnomAD 0.00001.
gnomAD v4.1: 3 of 1,614,062 alleles (0.00019%); highest among the groups gnomAD compares: Non-Finnish European, 0.00025%; no homozygotes.

Submissions (2):

Ambry Genetics
Classification: Uncertain significance for Inborn genetic diseases. Last evaluated: 2024-12-04. Review status: criteria provided, single submitter. Criteria: Ambry Variant Classification Scheme 2023. Collection method: clinical testing. Allele origin: germline.

Labcorp Genetics (formerly Invitae), Labcorp
Classification: Uncertain significance for Hereditary antithrombin deficiency. Last evaluated: 2019-03-29. Review status: criteria provided, single submitter. Criteria: Invitae Variant Classification Sherloc (09022015). Collection method: clinical testing. Allele origin: germline.
Comment: This variant has not been reported in the literature in individuals with SERPINC1-related conditions. Algorithms developed to predict the effect of missense changes on protein structure and function are either unavailable or do not agree on the potential impact of this missense change (SIFT: "Deleterious"; PolyPhen-2: "Probably Damaging"; Align-GVGD: "Class C0"). In summary, the available evidence is currently insufficient to determine the role of this variant in disease. Therefore, it has been classified as a Variant of Uncertain Significance. This variant is not present in population databases (ExAC no frequency). This sequence change replaces isoleucine with phenylalanine at codon 316 of the SERPINC1 protein (p.Ile316Phe). The isoleucine residue is highly conserved and there is a small physicochemical difference between isoleucine and phenylalanine.